The following is an entry in ClinVar:

NM_004006.3(DMD):c.630G>C (p.Glu210Asp)

Gene: DMD (dystrophin; minus strand). Cytogenetic location: Xp21.1.
Variant type: single nucleotide variant.
Coding change: c.630G>C on transcript NM_004006.3 (MANE Select); coding-DNA position 630, G replaced by C.
Protein change: p.Glu210Asp; replaces glutamic acid 210 with aspartic acid.
Molecular consequence: missense variant.
Genome position (GRCh38, 1-based): chrX:32,809,512, C>G on the plus strand (G>C on the coding strand, the complement: DMD is on the minus strand). VCF-style: chrX-32809512-C-G. GRCh37 (hg19) VCF-style: chrX-32827629-C-G.
Other names: c.606G>C, p.Glu202Asp (NM_000109.4); c.618G>C, p.Glu206Asp (NM_004009.3); c.261G>C, p.Glu87Asp (NM_004010.3); short protein forms E206D, E210D, E87D, E202D.
Identifiers: ClinVar variation 2964592 (VCV002964592.4), dbSNP rs772502525, ClinGen allele CA10380112.
Genomic context (GRCh38, chrX:32,809,512, plus strand): 5'-CTACCATACTAAAAGCAGTGGTAGTCCAGAAATTTACCAACCTTCAGGATCGAGTAGTTT[C>G]TCTATGCCTAATTGATATCTGGCGATGTTGAATGCATGTTCCAGTCGTTGTGTGGCTGAC-3'
Protein context (NP_003997.2, residues 200-220): FNIARYQLGI[Glu210Asp]KLLDPEDVDT

ClinVar aggregate classification (germline): Conflicting classifications of pathogenicity. Review status: criteria provided, conflicting classifications (1 of 4 stars). 2 submissions from 2 submitters: Uncertain significance (1); Likely benign (1). Last evaluated 2025-10-02.

Conditions:
Duchenne muscular dystrophy (DMD). Also called: MUSCULAR DYSTROPHY, PSEUDOHYPERTROPHIC PROGRESSIVE, DUCHENNE TYPE; Duchenne Muscular Dystrophy (DMD). Identifiers: Orphanet 98896, MedGen C0013264, MONDO:0010679, OMIM 310200.
Cardiovascular phenotype. Identifiers: MedGen CN230736.

Allele frequency attached by ClinVar (database versions not stated): ExAC 0.00001; TOPMed 0.00002.
gnomAD v4.1: 20 of 1,210,592 alleles (0.0017%); highest among the groups gnomAD compares: Non-Finnish European, 0.0021%; no homozygotes.

Submissions (2):

Labcorp Genetics (formerly Invitae), Labcorp
Classification: Likely benign for Duchenne muscular dystrophy. Last evaluated: 2025-10-02. Review status: criteria provided, single submitter. Criteria: Invitae Variant Classification Sherloc (09022015). Collection method: clinical testing. Allele origin: germline.

Ambry Genetics
Classification: Uncertain significance for Cardiovascular phenotype. Last evaluated: 2025-07-23. Review status: criteria provided, single submitter. Criteria: Ambry Variant Classification Scheme 2023. Collection method: clinical testing. Allele origin: germline.
Comment: The p.E210D variant (also known as c.630G>C), located in coding exon 7 of the DMD gene, results from a G to C substitution at nucleotide position 630. The glutamic acid at codon 210 is replaced by aspartic acid, an amino acid with highly similar properties. This amino acid position is well conserved in available vertebrate species. In addition, this alteration is predicted to be tolerated by in silico analysis. Based on data from gnomAD, the C allele has an overall frequency of 0.0005% (1/183325) total alleles studied, with 1 hemizygote(s) observed. The highest observed frequency was 0.0012% (1/81811) of European (non-Finnish) alleles. Based on the available evidence, the clinical significance of this variant remains unclear.